The following is an entry in ClinVar:

ClinVar aggregate classification (germline): Conflicting classifications of pathogenicity. Review status: criteria provided, conflicting classifications (1 of 4 stars). 3 submissions from 3 submitters: Uncertain significance (1); Likely benign (1). 1 of the submissions does not count toward it. Last evaluated 2022-11-17.

Conditions:
Inborn genetic diseases. Identifiers: MedGen C0950123, MeSH D030342.
Retinitis pigmentosa 28 (RP28). Identifiers: Orphanet 791, MedGen C1419614, MONDO:0011630, OMIM 606068.

Allele frequency attached by ClinVar (database versions not stated): ExAC 0.00003; gnomAD 0.00003 and 0.00005; gnomAD exomes 0.00006; TOPMed 0.00009.

Submissions (3):

Ambry Genetics
Classification: Likely benign for Inborn genetic diseases. Last evaluated: 2022-11-17. Review status: criteria provided, single submitter. Criteria: Ambry Variant Classification Scheme 2023. Collection method: clinical testing. Allele origin: germline.

Labcorp Genetics (formerly Invitae), Labcorp
Classification: Uncertain significance. Last evaluated: 2022-04-16. Review status: criteria provided, single submitter. Criteria: Invitae Variant Classification Sherloc (09022015). Collection method: clinical testing. Allele origin: germline.
Comment: This sequence change replaces arginine, which is basic and polar, with glutamine, which is neutral and polar, at codon 596 of the FAM161A protein (p.Arg596Gln). This variant is present in population databases (rs201467049, gnomAD 0.02%). This variant has not been reported in the literature in individuals affected with FAM161A-related conditions. ClinVar contains an entry for this variant (Variation ID: 970086). Algorithms developed to predict the effect of missense changes on protein structure and function output the following: SIFT: "Tolerated"; PolyPhen-2: "Benign"; Align-GVGD: "Class C0". The glutamine amino acid residue is found in multiple mammalian species, which suggests that this missense change does not adversely affect protein function. In summary, the available evidence is currently insufficient to determine the role of this variant in disease. Therefore, it has been classified as a Variant of Uncertain Significance.

Natera, Inc.
Classification: Uncertain significance for Retinitis pigmentosa type 28. Last evaluated: 2020-02-26. Review status: no assertion criteria provided. Collection method: clinical testing. Allele origin: germline. Not counted in ClinVar's aggregate classification.

NM_001201543.2(FAM161A):c.1787G>A (p.Arg596Gln)

Gene: FAM161A (FAM161 centrosomal protein A; minus strand). Cytogenetic location: 2p15.
Variant type: single nucleotide variant.
Coding change: c.1787G>A on transcript NM_001201543.2 (MANE Select); coding-DNA position 1787, G replaced by A.
Protein change: p.Arg596Gln; replaces arginine 596 with glutamine.
Molecular consequence: missense variant. On other transcripts: non-coding transcript variant (1).
Genome position (GRCh38, 1-based): chr2:61,836,074, C>T on the plus strand (G>A on the coding strand, the complement: FAM161A is on the minus strand). VCF-style: chr2-61836074-C-T. GRCh37 (hg19) VCF-style: chr2-62063209-C-T.
Other names: c.1619G>A, p.Arg540Gln (NM_032180.3); short protein forms R540Q, R596Q.
Identifiers: ClinVar variation 970086 (VCV000970086.6), dbSNP rs201467049, ClinGen allele CA1679032.